The following is an entry in ClinVar:

NM_000426.4(LAMA2):c.6634T>G (p.Ser2212Ala)

Gene: LAMA2 (laminin subunit alpha 2; plus strand). Cytogenetic location: 6q22.33.
Variant type: single nucleotide variant.
Coding change: c.6634T>G on transcript NM_000426.4 (MANE Select); coding-DNA position 6634, T replaced by G.
Protein change: p.Ser2212Ala; replaces serine 2212 with alanine.
Molecular consequence: missense variant.
Genome position (GRCh38, 1-based): chr6:129,454,215, T>G. VCF-style: chr6-129454215-T-G. GRCh37 (hg19) VCF-style: chr6-129775360-T-G.
Other names: c.6634T>G, p.Ser2212Ala (NM_001079823.2); short protein forms S2212A.
Identifiers: ClinVar variation 1371580 (VCV001371580.5), dbSNP rs2114790903, ClinGen allele CA365617060.

ClinVar aggregate classification (germline): Uncertain significance (1 of 4 stars; one submission).

Conditions:
LAMA2-related muscular dystrophy (LAMA2-RD). Also called: Laminin alpha 2-related dystrophy. Identifiers: MedGen C5679788, MONDO:0100228.

Submission:

Labcorp Genetics (formerly Invitae), Labcorp
Classification: Uncertain significance for LAMA2-related muscular dystrophy. Last evaluated: 2022-03-23. Review status: criteria provided, single submitter. Criteria: Invitae Variant Classification Sherloc (09022015). Collection method: clinical testing. Allele origin: germline.
Comment: This sequence change replaces serine, which is neutral and polar, with alanine, which is neutral and non-polar, at codon 2212 of the LAMA2 protein (p.Ser2212Ala). This variant is not present in population databases (gnomAD no frequency). This variant has not been reported in the literature in individuals affected with LAMA2-related conditions. Advanced modeling of protein sequence and biophysical properties (such as structural, functional, and spatial information, amino acid conservation, physicochemical variation, residue mobility, and thermodynamic stability) performed at Invitae indicates that this missense variant is not expected to disrupt LAMA2 protein function. In summary, the available evidence is currently insufficient to determine the role of this variant in disease. Therefore, it has been classified as a Variant of Uncertain Significance.